The following is an entry in ClinVar:

NM_001161352.2(KCNMA1):c.2312G>A (p.Arg771Gln)

Genes: KCNMA1 (potassium calcium-activated channel subfamily M alpha 1; minus strand), KCNMA1-AS1 (KCNMA1 antisense RNA 1; plus strand). Cytogenetic location: 10q22.3.
Variant type: single nucleotide variant.
Coding change: c.2312G>A on transcript NM_001161352.2 (MANE Select); coding-DNA position 2312, G replaced by A.
Protein change: p.Arg771Gln; replaces arginine 771 with glutamine.
Molecular consequence: missense variant.
Genome position (GRCh38, 1-based): chr10:76,970,022, C>T on the plus strand (G>A on the coding strand, the complement: KCNMA1 is on the minus strand). VCF-style: chr10-76970022-C-T. GRCh37 (hg19) VCF-style: chr10-78729780-C-T.
Other names: c.2150G>A, p.Arg717Gln (NM_001014797.3, NM_001322835.2, NM_001322837.2); c.2138G>A, p.Arg713Gln (NM_001161353.2, NM_001322832.2, NM_002247.4); c.1988G>A, p.Arg663Gln (NM_001271518.2); c.2147G>A, p.Arg716Gln (NM_001271519.2, NM_001322829.2, NM_001322836.2); c.2159G>A, p.Arg720Gln (NM_001322830.2); c.1685G>A, p.Arg562Gln (NM_001322838.2); short protein forms R562Q, R663Q, R713Q, R716Q, R717Q, R720Q, R771Q.
Identifiers: ClinVar variation 1683547 (VCV001683547.2), dbSNP rs2153158663, ClinGen allele CA377408408.

ClinVar aggregate classification (germline): Uncertain significance (1 of 4 stars; one submission).

Conditions:
Liang-Wang syndrome. Identifiers: Orphanet 664438, MedGen C5231479, MONDO:0032886, OMIM 618729.

gnomAD v4.1: 1 of 1,613,992 alleles (0.000062%); highest among the groups gnomAD compares: South Asian, 0.0011%; no homozygotes.

Submission:

Laboratorio de Genetica e Diagnostico Molecular, Hospital Israelita Albert Einstein
Classification: Uncertain significance for Liang-Wang syndrome. Last evaluated: 2021-05-13. Review status: criteria provided, single submitter. Criteria: ACMG Guidelines, 2015. Collection method: clinical testing. Allele origin: germline. Affected: yes.
Comment: ACMG classification criteria: PM2 moderate